The following is an entry in ClinVar:

NM_001365276.2(TNXB):c.9878T>C (p.Leu3293Pro)

Gene: TNXB (tenascin XB; minus strand). Cytogenetic location: 6p21.33.
Variant type: single nucleotide variant.
Coding change: c.9878T>C on transcript NM_001365276.2 (MANE Select); coding-DNA position 9878, T replaced by C.
Protein change: p.Leu3293Pro; replaces leucine 3293 with proline.
Molecular consequence: missense variant.
Genome position (GRCh38, 1-based): chr6:32,048,530, A>G on the plus strand (T>C on the coding strand, the complement: TNXB is on the minus strand). VCF-style: chr6-32048530-A-G. GRCh37 (hg19) VCF-style: chr6-32016307-A-G.
Other names: c.9872T>C, p.Leu3291Pro (NM_019105.8); short protein forms L3293P, L3291P.
Identifiers: ClinVar variation 3327906 (VCV003327906.1).
Genomic context (GRCh38, chr6:32,048,530, plus strand): 5'-CGGAGGTCTCCGCTCACAGGCACTGCCTGGGGCTGCCCCTGCGCGTCCCTGTACTGTACC[A>G]GGAAGGAGTCAAAGGGGCCCTGGGCCACCGTCCATGAGAGGCCCACTGAGTCCGAGGTCA-3'
Protein context (NP_001352205.1, residues 3283-3303): TVAQGPFDSF[Leu3293Pro]VQYRDAQGQP

ClinVar aggregate classification (germline): Uncertain significance (1 of 4 stars; one submission).

Conditions:
Cardiovascular phenotype. Identifiers: MedGen CN230736.

gnomAD v4.1: 1 of 1,592,500 alleles (0.000063%); highest among the groups gnomAD compares: Non-Finnish European, 0.000086%; no homozygotes.

Submission:

Ambry Genetics
Classification: Uncertain significance for Cardiovascular phenotype. Last evaluated: 2024-05-07. Review status: criteria provided, single submitter. Criteria: Ambry Variant Classification Scheme 2023. Collection method: clinical testing. Allele origin: germline.
Comment: The p.L3291P variant (also known as c.9872T>C), located in coding exon 28 of the TNXB gene, results from a T to C substitution at nucleotide position 9872. The leucine at codon 3291 is replaced by proline, an amino acid with similar properties. This amino acid position is conserved. In addition, the in silico prediction for this alteration is inconclusive. Based on the available evidence, the clinical significance of this variant remains unclear.